The following is an entry in ClinVar:

NM_001323289.2(CDKL5):c.2496+3G>A

Gene: CDKL5 (cyclin dependent kinase like 5; plus strand). Cytogenetic location: Xp22.13.
Variant type: single nucleotide variant.
Coding change: c.2496+3G>A on transcript NM_001323289.2 (MANE Select); 3 bases into the intron after coding-DNA position 2496, G replaced by A.
Molecular consequence: intron variant.
Genome position (GRCh38, 1-based): chrX:18,625,250, G>A. VCF-style: chrX-18625250-G-A. GRCh37 (hg19) VCF-style: chrX-18643370-G-A.
Other names: c.2496+3G>A (NM_003159.3, NM_001037343.2).
Identifiers: ClinVar variation 388336 (VCV000388336.1), dbSNP rs1057523074, ClinGen allele CA16608797.

ClinVar aggregate classification (germline): Likely benign (1 of 4 stars; one submission).

Allele frequency attached by ClinVar (database versions not stated): gnomAD exomes 0.00001.
gnomAD v4.1: 8 of 1,208,682 alleles (0.00066%); highest among the groups gnomAD compares: Non-Finnish European, 0.00089%; no homozygotes.

Submission:

GeneDx
Classification: Likely benign. Last evaluated: 2016-08-04. Review status: criteria provided, single submitter. Criteria: GeneDx Variant Classification (06012015). Collection method: clinical testing. Allele origin: germline. Affected: yes.
Comment: This variant is considered likely benign or benign based on one or more of the following criteria: it is a conservative change, it occurs at a poorly conserved position in the protein, it is predicted to be benign by multiple in silico algorithms, and/or has population frequency not consistent with disease.